The following is an entry in ClinVar:

NM_020922.5(WNK3):c.2698C>T (p.Arg900Ter)

Gene: WNK3 (WNK lysine deficient protein kinase 3; minus strand). Cytogenetic location: Xp11.22.
Variant type: single nucleotide variant.
Coding change: c.2698C>T on transcript NM_020922.5 (MANE Select); coding-DNA position 2698, C replaced by T.
Protein change: p.Arg900Ter; replaces arginine 900 with a stop codon.
Molecular consequence: nonsense.
Genome position (GRCh38, 1-based): chrX:54,250,009, G>A on the plus strand (C>T on the coding strand, the complement: WNK3 is on the minus strand). VCF-style: chrX-54250009-G-A. GRCh37 (hg19) VCF-style: chrX-54276442-G-A.
Other names: c.2698C>T, p.Arg900Ter (NM_001002838.4, NM_001395166.1); short protein forms R900*.
Identifiers: ClinVar variation 5020022 (VCV005020022.1).

ClinVar aggregate classification (germline): Uncertain significance (1 of 4 stars; one submission).

Conditions:
Prieto syndrome. Also called: MENTAL RETARDATION, X-LINKED, SYNDROMIC 2. Identifiers: Orphanet 2958, MedGen C1839730, MONDO:0010667, OMIM 309610.

Submission:

Juno Genomics, Hangzhou Juno Genomics, Inc
Classification: Uncertain significance for Prieto syndrome. Review status: criteria provided, single submitter. Criteria: ACMG Guidelines, 2015. Collection method: clinical testing. Allele origin: germline. Affected: yes.
Comment: Absent from controls (or at extremely low frequency if recessive) in Genome Aggregation Database.;Null variant in a gene where loss of function (LOF) is a known mechanism of disease.